The following is an entry in ClinVar:

NM_001182.5(ALDH7A1):c.129A>G (p.Lys43=)

Gene: ALDH7A1 (aldehyde dehydrogenase 7 family member A1; minus strand). Cytogenetic location: 5q23.2.
Variant type: single nucleotide variant.
Coding change: c.129A>G on transcript NM_001182.5 (MANE Select); coding-DNA position 129, A replaced by G.
Protein change: p.Lys43=; no amino-acid change (lysine 43 retained).
Molecular consequence: synonymous variant.
Genome position (GRCh38, 1-based): chr5:126,595,070, T>C on the plus strand (A>G on the coding strand, the complement: ALDH7A1 is on the minus strand). VCF-style: chr5-126595070-T-C. GRCh37 (hg19) VCF-style: chr5-125930762-T-C.
Other names: c.45A>G, p.Lys15= (NM_001201377.2); c.129A>G, p.Lys43= (NM_001202404.2).
Identifiers: ClinVar variation 681367 (VCV000681367.1), dbSNP rs1581409165, ClinGen allele CA446487961.

ClinVar aggregate classification (germline): Likely benign (1 of 4 stars; one submission).

Allele frequency attached by ClinVar (database versions not stated): gnomAD exomes below 0.00001.
gnomAD v4.1: 1 of 1,608,822 alleles (0.000062%); highest among the groups gnomAD compares: Non-Finnish European, 0.000085%; no homozygotes.

Submission:

GeneDx
Classification: Likely benign. Last evaluated: 2018-04-02. Review status: criteria provided, single submitter. Criteria: GeneDx Variant Classification (06012015). Collection method: clinical testing. Allele origin: germline. Affected: yes.
Comment: This variant is considered likely benign or benign based on one or more of the following criteria: it is a conservative change, it occurs at a poorly conserved position in the protein, it is predicted to be benign by multiple in silico algorithms, and/or has population frequency not consistent with disease.